The following is an entry in ClinVar:

ClinVar aggregate classification (germline): Uncertain significance (1 of 4 stars; one submission).

Conditions:
CHARGE syndrome (CHARGE). Also called: Hittner Hirsch Kreh syndrome; CHARGE ASSOCIATION--COLOBOMA, HEART ANOMALY, CHOANAL ATRESIA, RETARDATION, GENITAL AND EAR ANOMALIES; Coloboma, heart anomaly, choanal atresia, retardation, genital and ear anomalies; CHARGE association; Hall-Hittner syndrome. Identifiers: Orphanet 138, MedGen C0265354, MONDO:0008965.

Submission:

Labcorp Genetics (formerly Invitae), Labcorp
Classification: Uncertain significance for CHARGE syndrome. Last evaluated: 2025-04-22. Review status: criteria provided, single submitter. Criteria: Invitae Variant Classification Sherloc (09022015). Collection method: clinical testing. Allele origin: germline.
Comment: This sequence change replaces lysine, which is basic and polar, with glutamic acid, which is acidic and polar, at codon 2652 of the CHD7 protein (p.Lys2652Glu). This variant is not present in population databases (gnomAD no frequency). This variant has not been reported in the literature in individuals affected with CHD7-related conditions. Invitae Evidence Modeling of protein sequence and biophysical properties (such as structural, functional, and spatial information, amino acid conservation, physicochemical variation, residue mobility, and thermodynamic stability) indicates that this missense variant is not expected to disrupt CHD7 protein function with a negative predictive value of 80%. In summary, the available evidence is currently insufficient to determine the role of this variant in disease. Therefore, it has been classified as a Variant of Uncertain Significance.

NM_017780.4(CHD7):c.7954A>G (p.Lys2652Glu)

Gene: CHD7 (chromodomain helicase DNA binding protein 7; plus strand). Cytogenetic location: 8q12.2.
Variant type: single nucleotide variant.
Coding change: c.7954A>G on transcript NM_017780.4 (MANE Select); coding-DNA position 7954, A replaced by G.
Protein change: p.Lys2652Glu; replaces lysine 2652 with glutamic acid.
Molecular consequence: missense variant.
Genome position (GRCh38, 1-based): chr8:60,862,319, A>G. VCF-style: chr8-60862319-A-G. GRCh37 (hg19) VCF-style: chr8-61774878-A-G.
Other names: c.1807A>G, p.Lys603Glu (NM_001316690.1); short protein forms K2652E, K603E.
Identifiers: ClinVar variation 4809564 (VCV004809564.1).